The following is an entry in ClinVar:

NM_001267550.2(TTN):c.44170_44173del (p.Glu14724fs)

Gene: TTN (titin; minus strand). Cytogenetic location: 2q31.2.
Variant type: Deletion.
Coding change: c.44170_44173del on transcript NM_001267550.2 (MANE Select); coding-DNA positions 44170 to 44173, 4 bases deleted (GAAG; older notation c.44170_44173delGAAG).
Protein change: p.Glu14724fs; shifts the reading frame from glutamic acid 14724.
Molecular consequence: frameshift variant.
Genome position (GRCh38, 1-based): chr2:178,630,349-178,630,352, CTTC deleted on the plus strand (GAAG on the coding strand, the reverse complement: TTN is on the minus strand); deleting any 4 consecutive bases within chr2:178,630,349-178,630,355 gives the same sequence; the c. name uses the placement nearest the transcript's 3' end. VCF-style (leftmost placement, unchanged base first): chr2-178630348-TCTTC-T. GRCh37 (hg19) VCF-style: chr2-179495075-TCTTC-T.
Other names: c.39247_39250del, p.Glu13083fs (NM_001256850.1); c.16975_16978del, p.Glu5659fs (NM_003319.4); c.36466_36469del, p.Glu12156fs (NM_133378.4); c.17350_17353del, p.Glu5784fs (NM_133432.3); c.17551_17554del, p.Glu5851fs (NM_133437.4); c.16975_16978delGAAG (NM_003319.4); short protein forms E13083fs, E5659fs, E5851fs, E14724fs, E12156fs, E5784fs.
Identifiers: ClinVar variation 1778244 (VCV001778244.2), dbSNP rs2471378577, ClinGen allele CA2580065092.

ClinVar aggregate classification (germline): Likely pathogenic (1 of 4 stars; one submission).

Conditions:
Cardiovascular phenotype. Identifiers: MedGen CN230736.

Submission:

Ambry Genetics
Classification: Likely pathogenic for Cardiovascular phenotype. Last evaluated: 2021-11-24. Review status: criteria provided, single submitter. Criteria: Ambry Variant Classification Scheme 2023. Collection method: clinical testing. Allele origin: germline.
Comment: The c.16975_16978delGAAG variant, located in coding exon 66 of the TTN gene, results from a deletion of 4 nucleotides at nucleotide positions 16975 to 16978, causing a translational frameshift with a predicted alternate stop codon (p.E5659Kfs*39). This exon is located in the I-band region of the N2-B isoform of the titin protein and is constitutively expressed in TTN transcripts (percent spliced in or PSI 100%). This variant is considered to be rare based on population cohorts in the Genome Aggregation Database (gnomAD). This alteration is expected to result in loss of function by premature protein truncation or nonsense-mediated mRNA decay. While truncating variants in TTN are present in 1-3% of the general population, truncating variants in the A-band are the most common cause of dilated cardiomyopathy (DCM) (Herman DS et al. N. Engl. J. Med., 2012 Feb;366:619-28; Roberts AM et al. Sci Transl Med, 2015 Jan;7:270ra6). TTN truncating variants encoded in constitutive exons (PSI >90%) have been found to be significantly associated with DCM regardless of their position in titin (Schafer S et al. Nat. Genet., 2017 01;49:46-53). As such, this alteration is classified as likely pathogenic.